The following is an entry in ClinVar:

ClinVar aggregate classification (germline): Conflicting classifications of pathogenicity. Review status: criteria provided, conflicting classifications (1 of 4 stars). 2 submissions from 2 submitters: Uncertain significance (1); Likely benign (1). Last evaluated 2020-11-01.

Conditions:
Early Myoclonic Encephalopathy. Identifiers: MedGen C0270855.

Submissions (2):

CeGaT Center for Human Genetics Tuebingen
Classification: Likely benign. Last evaluated: 2020-11-01. Review status: criteria provided, single submitter. Criteria: CeGaT Center For Human Genetics Tuebingen Variant Classification Criteria Version 2. Collection method: clinical testing. Allele origin: germline. Affected: yes. Observed: 1 variant allele.
Comment: SLC25A22: BP4, BP7

Illumina Laboratory Services, Illumina
Classification: Uncertain significance for Developmental and epileptic encephalopathy, 3. Last evaluated: 2018-01-13. Review status: criteria provided, single submitter. Criteria: ICSL Variant Classification Criteria 13 December 2019. Collection method: clinical testing. Allele origin: germline.

NM_001191061.2(SLC25A22):c.666G>A (p.Lys222=)

Gene: SLC25A22 (solute carrier family 25 member 22; minus strand). Cytogenetic location: 11p15.5.
Variant type: single nucleotide variant.
Coding change: c.666G>A on transcript NM_001191061.2 (MANE Select); coding-DNA position 666, G replaced by A.
Protein change: p.Lys222=; no amino-acid change (lysine 222 retained).
Molecular consequence: synonymous variant.
Genome position (GRCh38, 1-based): chr11:792,380, C>T on the plus strand (G>A on the coding strand, the complement: SLC25A22 is on the minus strand). VCF-style: chr11-792380-C-T. GRCh37 (hg19) VCF-style: chr11-792380-C-T.
Other names: c.666G>A, p.Lys222= (NM_001191060.2, NM_024698.6).
Identifiers: ClinVar variation 306263 (VCV000306263.29), dbSNP rs886048695, ClinGen allele CA10635750.
Genomic context (GRCh38, chr11:792,380, plus strand): 5'-GGCCACAGCGGCGGCACTCCCAGCCACACAGCCGGCCAGGAAGGACACGTAGAAAGGCGA[C>T]TTCTCCTCGGACGCCGGGCGGCCCAGCTGGTTCAGGTTGGCAAAGAGCGGGAAGTACACC-3'
Protein context (NP_001177990.1, residues 212-232): NQLGRPASEE[Lys222=]SPFYVSFLAG